The following is an entry in ClinVar:

NM_002769.5(PRSS1):c.351A>C (p.Ala117=)

Genes: PRSS1 (serine protease 1; plus strand), TRB (T cell receptor beta locus; plus strand). Cytogenetic location: 7q34.
Variant type: single nucleotide variant.
Coding change: c.351A>C on transcript NM_002769.5 (MANE Select); coding-DNA position 351, A replaced by C.
Protein change: p.Ala117=; no amino-acid change (alanine 117 retained).
Molecular consequence: synonymous variant.
Genome position (GRCh38, 1-based): chr7:142,751,924, A>C. VCF-style: chr7-142751924-A-C. GRCh37 (hg19) VCF-style: chr7-142459775-A-C.
Identifiers: ClinVar variation 161987 (VCV000161987.5), dbSNP rs606231346, ClinGen allele CA273021.

ClinVar aggregate classification (germline): Likely benign. Review status: criteria provided, multiple submitters, no conflicts (2 of 4 stars). 3 submissions from 3 submitters: Likely benign (2). 1 of the submissions does not count toward it. Last evaluated 2025-08-15.

Conditions:
Hereditary pancreatitis (PCTT). Also called: Hereditary chronic pancreatitis; PRSS1-Related Hereditary Pancreatitis. Identifiers: Orphanet 676, MedGen C0238339, MONDO:0008185, OMIM 167800.

Allele frequency attached by ClinVar (database versions not stated): ExAC 0.00012.

Submissions (3):

Labcorp Genetics (formerly Invitae), Labcorp
Classification: Likely benign for Hereditary pancreatitis. Last evaluated: 2025-08-15. Review status: criteria provided, single submitter. Criteria: Invitae Variant Classification Sherloc (09022015). Collection method: clinical testing. Allele origin: germline.

Ambry Genetics
Classification: Likely benign for Hereditary pancreatitis. Last evaluated: 2023-05-26. Review status: criteria provided, single submitter. Criteria: Ambry Variant Classification Scheme 2023. Collection method: clinical testing. Allele origin: germline.

Forschungslabor Klinik Innere Medizin A University Medicine Greifswald
Classification: Uncertain significance for Hereditary pancreatitis. Review status: no assertion criteria provided. Collection method: not provided. Allele origin: inherited. Not counted in ClinVar's aggregate classification.
Comment: Result of a ~70bp gene conversion between PRSS1 and PRSS3P2, giving rise to a triple mutant cationic Trypsinogen (p.S115T/p.R116P/p.R122H).
ClinVar note: Converted during submission from unknown to Uncertain significance.